The following is an entry in ClinVar:

NM_000492.4(CFTR):c.4296C>G (p.Asn1432Lys)

Genes: CFTR (CF transmembrane conductance regulator; plus strand), LOC111674477 (CFTR intron 23 enhancer; plus strand). Cytogenetic location: 7q31.2.
Variant type: single nucleotide variant.
Coding change: c.4296C>G on transcript NM_000492.4 (MANE Select); coding-DNA position 4296, C replaced by G.
Protein change: p.Asn1432Lys; replaces asparagine 1432 with lysine.
Molecular consequence: missense variant.
Genome position (GRCh38, 1-based): chr7:117,666,961, C>G. VCF-style: chr7-117666961-C-G. GRCh37 (hg19) VCF-style: chr7-117307015-C-G.
Other names: p.Asn1432Lys; short protein forms N1432K.
Identifiers: ClinVar variation 824764 (VCV000824764.21), dbSNP rs761669740, ClinGen allele CA4451688.

ClinVar aggregate classification (germline): Uncertain significance. Review status: criteria provided, multiple submitters, no conflicts (2 of 4 stars). 6 submissions from 6 submitters: Uncertain significance (5). 1 of the submissions does not count toward it. Last evaluated 2025-10-15.

Conditions:
CFTR-related disorder (CFTR-RD). Also called: CFTR-related disorders; CFTR-related condition. Identifiers: MedGen C5924204, MONDO:7770004.
Cystic fibrosis (CF). Also called: MUCOVISCIDOSIS. Identifiers: Orphanet 586, MedGen C0010674, MONDO:0009061, OMIM 219700. Disease mechanism: loss of function.

gnomAD v4.1: 27 of 1,613,908 alleles (0.0017%); highest among the groups gnomAD compares: South Asian, 0.0055%; no homozygotes.

Submissions (6):

PreventionGenetics, part of Exact Sciences
Classification: Uncertain significance for CFTR-related condition. Last evaluated: 2025-10-15. Review status: criteria provided, single submitter. Criteria: ACMG Guidelines, 2015. Collection method: clinical testing. Allele origin: germline.
Comment: The CFTR c.4296C>G variant is predicted to result in the amino acid substitution p.Asn1432Lys. This variant has been reported in a control individual from a chronic pancreatitis cohort study (Schneider et al. 2011. PubMed ID: 20977904). This variant is reported in 0.0033% of alleles in individuals of South Asian descent in gnomAD. At this time, the clinical significance of this variant is uncertain due to the absence of conclusive functional and genetic evidence.

Labcorp Genetics (formerly Invitae), Labcorp
Classification: Uncertain significance for Cystic fibrosis. Last evaluated: 2024-11-14. Review status: criteria provided, single submitter. Criteria: Invitae Variant Classification Sherloc (09022015). Collection method: clinical testing. Allele origin: germline.
Comment: This sequence change replaces asparagine, which is neutral and polar, with lysine, which is basic and polar, at codon 1432 of the CFTR protein (p.Asn1432Lys). This variant is present in population databases (rs761669740, gnomAD 0.003%). This variant has not been reported in the literature in individuals affected with CFTR-related conditions. ClinVar contains an entry for this variant (Variation ID: 824764). Invitae Evidence Modeling of protein sequence and biophysical properties (such as structural, functional, and spatial information, amino acid conservation, physicochemical variation, residue mobility, and thermodynamic stability) indicates that this missense variant is not expected to disrupt CFTR protein function with a negative predictive value of 80%. In summary, the available evidence is currently insufficient to determine the role of this variant in disease. Therefore, it has been classified as a Variant of Uncertain Significance.

Ambry Genetics
Classification: Uncertain significance for Cystic fibrosis. Last evaluated: 2024-09-25. Review status: criteria provided, single submitter. Criteria: Ambry Variant Classification Scheme 2023. Collection method: clinical testing. Allele origin: germline.
Comment: The p.N1432K variant (also known as c.4296C>G), located in coding exon 27 of the CFTR gene, results from a C to G substitution at nucleotide position 4296. The asparagine at codon 1432 is replaced by lysine, an amino acid with similar properties. This variant has been identified in a heterozygous control individual (Schneider A et al. Gastroenterology, 2011 Jan;140:162-71). This amino acid position is poorly conserved in available vertebrate species. In addition, this alteration is predicted to be tolerated by in silico analysis. Since supporting evidence is limited at this time, the clinical significance of this alteration remains unclear.

Genome-Nilou Lab
Classification: Uncertain significance for Cystic fibrosis. Last evaluated: 2021-09-05. Review status: criteria provided, single submitter. Criteria: ACMG Guidelines, 2015. Collection method: clinical testing. Allele origin: germline. Affected: no.

Mayo Clinic Laboratories, Mayo Clinic
Classification: Uncertain significance. Last evaluated: 2021-05-20. Review status: criteria provided, single submitter. Criteria: ACMG Guidelines, 2015. Collection method: clinical testing. Allele origin: germline.

Natera, Inc.
Classification: Uncertain significance for CFTR-related disorders. Last evaluated: 2018-09-18. Review status: no assertion criteria provided. Collection method: clinical testing. Allele origin: germline. Not counted in ClinVar's aggregate classification.

Literature cited by the submitters: PubMed 20977904 (cited by Ambry Genetics).